The following is an entry in ClinVar:

ClinVar aggregate classification (germline): Uncertain significance. Review status: criteria provided, multiple submitters, no conflicts (2 of 4 stars). 3 submissions from 3 submitters: Uncertain significance (3). Last evaluated 2025-07-09.

Conditions:
Ataxia-telangiectasia syndrome (AT). Also called: Ataxia telangiectasia (A-T); LOUIS-BAR SYNDROME; Cerebello-oculocutaneous telangiectasia; Immunodeficiency with ataxia telangiectasia; Ataxia-telangiectasia, complementation group D; AT, COMPLEMENTATION GROUP C. Identifiers: Orphanet 100, MedGen C0004135, MONDO:0008840, OMIM 208900.
Hereditary cancer-predisposing syndrome. Also called: Hereditary neoplastic syndrome; Neoplastic Syndromes, Hereditary; Tumor predisposition; Hereditary Cancer Syndrome. Identifiers: Orphanet 140162, MedGen C0027672, MeSH D009386, MONDO:0015356.

Allele frequency attached by ClinVar (database versions not stated): TOPMed 0.00002; gnomAD 0.00001.
gnomAD v4.1: 1 of 1,614,090 alleles (0.000062%); highest among the groups gnomAD compares: African/African-American, 0.0013%; no homozygotes.

Submissions (3):

Labcorp Genetics (formerly Invitae), Labcorp
Classification: Uncertain significance for Ataxia-telangiectasia syndrome. Last evaluated: 2025-07-09. Review status: criteria provided, single submitter. Criteria: Invitae Variant Classification Sherloc (09022015). Collection method: clinical testing. Allele origin: germline.
Comment: This sequence change replaces lysine, which is basic and polar, with arginine, which is basic and polar, at codon 2303 of the ATM protein (p.Lys2303Arg). This variant is present in population databases (no rsID available, gnomAD 0.01%). This variant has not been reported in the literature in individuals affected with ATM-related conditions. ClinVar contains an entry for this variant (Variation ID: 1756089). Invitae Evidence Modeling of protein sequence and biophysical properties (such as structural, functional, and spatial information, amino acid conservation, physicochemical variation, residue mobility, and thermodynamic stability) indicates that this missense variant is not expected to disrupt ATM protein function with a negative predictive value of 95%. In summary, the available evidence is currently insufficient to determine the role of this variant in disease. Therefore, it has been classified as a Variant of Uncertain Significance.

Hereditary Cancer Laboratory, Hospital Universitario 12 de Octubre
Classification: Uncertain significance for Hereditary cancer-predisposing syndrome. Last evaluated: 2025-05-07. Review status: criteria provided, single submitter. Criteria: ACMG Guidelines, 2015. Collection method: clinical testing. Allele origin: germline.
Comment: PM2

Ambry Genetics
Classification: Uncertain significance for Hereditary cancer-predisposing syndrome. Last evaluated: 2024-04-16. Review status: criteria provided, single submitter. Criteria: Ambry Variant Classification Scheme 2023. Collection method: clinical testing. Allele origin: germline.
Comment: The p.K2303R variant (also known as c.6908A>G), located in coding exon 46 of the ATM gene, results from an A to G substitution at nucleotide position 6908. The lysine at codon 2303 is replaced by arginine, an amino acid with highly similar properties. This amino acid position is not well conserved in available vertebrate species. In addition, this alteration is predicted to be tolerated by in silico analysis. Since supporting evidence is limited at this time, the clinical significance of this alteration remains unclear.

NM_000051.4(ATM):c.6908A>G (p.Lys2303Arg)

Genes: ATM (ATM serine/threonine kinase; plus strand), C11orf65 (chromosome 11 open reading frame 65; minus strand). Cytogenetic location: 11q22.3.
Variant type: single nucleotide variant.
Coding change: c.6908A>G on transcript NM_000051.4 (MANE Select); coding-DNA position 6908, A replaced by G.
Protein change: p.Lys2303Arg; replaces lysine 2303 with arginine.
Molecular consequence: missense variant. On other transcripts: intron variant (2).
Genome position (GRCh38, 1-based): chr11:108,326,158, A>G. VCF-style: chr11-108326158-A-G. GRCh37 (hg19) VCF-style: chr11-108196885-A-G.
Other names: c.6908A>G, p.Lys2303Arg (NM_001351834.2); c.641-17087T>C (NM_001330368.2); c.*38+9062T>C (NM_001351110.2); short protein forms K2303R.
Identifiers: ClinVar variation 1756089 (VCV001756089.4), dbSNP rs1064795166, ClinGen allele CA382557004.
Genomic context (GRCh38, chr11:108,326,158, plus strand): 5'-CAGTTAGCTGTGGAGTCTCTGAGTGGCAGCTGGAAGAAGCACAAGTATTCTGGGCAAAAA[A>G]GGAGCAGAGTCTTGCCCTGAGTATTCTCAAGCAAATGATCAAGAAGTTGGATGCCAGCTG-3'
Protein context (NP_000042.3, residues 2293-2313): LEEAQVFWAK[Lys2303Arg]EQSLALSILK